The following is an entry in ClinVar:

NM_006270.5(RRAS):c.382C>T (p.Arg128Trp)

Gene: RRAS (RAS related; minus strand). Cytogenetic location: 19q13.33.
Variant type: single nucleotide variant.
Coding change: c.382C>T on transcript NM_006270.5 (MANE Select); coding-DNA position 382, C replaced by T.
Protein change: p.Arg128Trp; replaces arginine 128 with tryptophan.
Molecular consequence: missense variant.
Genome position (GRCh38, 1-based): chr19:49,636,690, G>A on the plus strand (C>T on the coding strand, the complement: RRAS is on the minus strand). VCF-style: chr19-49636690-G-A. GRCh37 (hg19) VCF-style: chr19-50139947-G-A.
Other names: short protein forms R128W.
Identifiers: ClinVar variation 1409885 (VCV001409885.6), dbSNP rs1379523599, ClinGen allele CA406846480.

ClinVar aggregate classification (germline): Uncertain significance (1 of 4 stars; one submission).

Conditions:
Noonan syndrome (NS). Also called: Noonan's syndrome. Identifiers: Orphanet 648, MedGen C0028326, MeSH D009634, MONDO:0018997. Disease mechanism: gain of function.

Allele frequency attached by ClinVar (database versions not stated): TOPMed below 0.00001.
gnomAD v4.1: 7 of 1,614,126 alleles (0.00043%); highest among the groups gnomAD compares: Non-Finnish European, 0.00051%; no homozygotes.

Submission:

Labcorp Genetics (formerly Invitae), Labcorp
Classification: Uncertain significance for Noonan syndrome. Last evaluated: 2024-10-28. Review status: criteria provided, single submitter. Criteria: Invitae Variant Classification Sherloc (09022015). Collection method: clinical testing. Allele origin: germline.
Comment: This sequence change replaces arginine, which is basic and polar, with tryptophan, which is neutral and slightly polar, at codon 128 of the RRAS protein (p.Arg128Trp). This variant is not present in population databases (gnomAD no frequency). This missense change has been observed in individual(s) with RRAS-related conditions (PMID: 33057194). ClinVar contains an entry for this variant (Variation ID: 1409885). An algorithm developed to predict the effect of missense changes on protein structure and function (PolyPhen-2) suggests that this variant is likely to be disruptive. In summary, the available evidence is currently insufficient to determine the role of this variant in disease. Therefore, it has been classified as a Variant of Uncertain Significance.

Literature cited by the submitters: PubMed 33057194.